The following is an entry in ClinVar:

NM_003906.5(MCM3AP):c.3596C>G (p.Thr1199Arg)

Gene: MCM3AP (minichromosome maintenance complex component 3 associated protein; minus strand). Cytogenetic location: 21q22.3.
Variant type: single nucleotide variant.
Coding change: c.3596C>G on transcript NM_003906.5 (MANE Select); coding-DNA position 3596, C replaced by G.
Protein change: p.Thr1199Arg; replaces threonine 1199 with arginine.
Molecular consequence: missense variant.
Genome position (GRCh38, 1-based): chr21:46,259,077, G>C on the plus strand (C>G on the coding strand, the complement: MCM3AP is on the minus strand). VCF-style: chr21-46259077-G-C. GRCh37 (hg19) VCF-style: chr21-47678991-G-C.
Other names: short protein forms T1199R.
Identifiers: ClinVar variation 1918342 (VCV001918342.5), dbSNP rs2081000820, ClinGen allele CA410553058.

ClinVar aggregate classification (germline): Uncertain significance (1 of 4 stars; one submission).

Submission:

Labcorp Genetics (formerly Invitae), Labcorp
Classification: Uncertain significance. Last evaluated: 2022-04-07. Review status: criteria provided, single submitter. Criteria: Invitae Variant Classification Sherloc (09022015). Collection method: clinical testing. Allele origin: germline.
Comment: In summary, the available evidence is currently insufficient to determine the role of this variant in disease. Therefore, it has been classified as a Variant of Uncertain Significance. Algorithms developed to predict the effect of missense changes on protein structure and function (SIFT, PolyPhen-2, Align-GVGD) all suggest that this variant is likely to be tolerated. This variant has not been reported in the literature in individuals affected with MCM3AP-related conditions. This variant is not present in population databases (gnomAD no frequency). This sequence change replaces threonine, which is neutral and polar, with arginine, which is basic and polar, at codon 1199 of the MCM3AP protein (p.Thr1199Arg).